The following is an entry in ClinVar:

NM_002693.3(POLG):c.3244G>A (p.Ala1082Thr)

Gene: POLG (DNA polymerase gamma, catalytic subunit; minus strand). Cytogenetic location: 15q26.1.
Variant type: single nucleotide variant.
Coding change: c.3244G>A on transcript NM_002693.3 (MANE Select); coding-DNA position 3244, G replaced by A.
Protein change: p.Ala1082Thr; replaces alanine 1082 with threonine.
Molecular consequence: missense variant.
Genome position (GRCh38, 1-based): chr15:89,318,960, C>T on the plus strand (G>A on the coding strand, the complement: POLG is on the minus strand). VCF-style: chr15-89318960-C-T. GRCh37 (hg19) VCF-style: chr15-89862191-C-T.
Other names: c.3244G>A, p.Ala1082Thr (NM_001126131.2); short protein forms A1082T.
Identifiers: ClinVar variation 1344486 (VCV001344486.8), dbSNP rs1237603598, ClinGen allele CA393750527.

ClinVar aggregate classification (germline): Uncertain significance. Review status: criteria provided, multiple submitters, no conflicts (2 of 4 stars). 4 submissions from 4 submitters: Uncertain significance (4). Last evaluated 2024-09-03.

Conditions:
Progressive sclerosing poliodystrophy (MTDPS4A). Also called: NEURONAL DEGENERATION OF CHILDHOOD WITH LIVER DISEASE, PROGRESSIVE; ALPERS PROGRESSIVE INFANTILE POLIODYSTROPHY; Alpers Syndrome; ALPERS DIFFUSE DEGENERATION OF CEREBRAL GRAY MATTER WITH HEPATIC CIRRHOSIS; Alpers-Huttenlocher Syndrome; Mitochondrial DNA depletion syndrome 4A (Alpers type). Identifiers: Orphanet 726, MedGen C0205710, MONDO:0008758, OMIM 203700.
Hereditary spastic paraplegia. Also called: Familial spastic paraparesis. Identifiers: Orphanet 685, MedGen C0037773, MONDO:0019064. Disease mechanism: loss of function.

Submissions (4):

GeneDx
Classification: Uncertain significance. Last evaluated: 2024-09-03. Review status: criteria provided, single submitter. Criteria: GeneDx Variant Classification Process June 2021. Collection method: clinical testing. Allele origin: germline. Affected: yes.
Comment: Not observed at significant frequency in large population cohorts (gnomAD); In silico analysis supports that this missense variant has a deleterious effect on protein structure/function; Has not been previously published as pathogenic or benign to our knowledge

Labcorp Genetics (formerly Invitae), Labcorp
Classification: Uncertain significance for Progressive sclerosing poliodystrophy. Last evaluated: 2023-12-27. Review status: criteria provided, single submitter. Criteria: Invitae Variant Classification Sherloc (09022015). Collection method: clinical testing. Allele origin: germline.
Comment: This sequence change replaces alanine, which is neutral and non-polar, with threonine, which is neutral and polar, at codon 1082 of the POLG protein (p.Ala1082Thr). This variant is present in population databases (no rsID available, gnomAD 0.0009%). This variant has not been reported in the literature in individuals affected with POLG-related conditions. ClinVar contains an entry for this variant (Variation ID: 1344486). Advanced modeling of protein sequence and biophysical properties (such as structural, functional, and spatial information, amino acid conservation, physicochemical variation, residue mobility, and thermodynamic stability) performed at Invitae indicates that this missense variant is expected to disrupt POLG protein function with a positive predictive value of 80%. In summary, the available evidence is currently insufficient to determine the role of this variant in disease. Therefore, it has been classified as a Variant of Uncertain Significance.

Genome Diagnostics Laboratory, The Hospital for Sick Children
Classification: Uncertain significance for Hereditary spastic paraplegia. Last evaluated: 2021-11-12. Review status: criteria provided, single submitter. Criteria: ACMG Guidelines, 2015. Collection method: clinical testing. Allele origin: germline. Affected: yes.

Blueprint Genetics
Classification: Uncertain significance. Last evaluated: 2021-11-02. Review status: criteria provided, single submitter. Criteria: ACMG Guidelines, 2015. Collection method: clinical testing. Allele origin: germline.